The following is an entry in ClinVar:

ClinVar aggregate classification (germline): Uncertain significance (1 of 4 stars; one submission).

Submission:

Ambry Genetics
Classification: Uncertain significance. Last evaluated: 2024-11-24. Review status: criteria provided, single submitter. Criteria: Ambry Variant Classification Scheme 2023. Collection method: clinical testing. Allele origin: germline.
Comment: The p.H176D variant (also known as c.526C>G), located in coding exon 5 of the SRP72 gene, results from a C to G substitution at nucleotide position 526. The histidine at codon 176 is replaced by aspartic acid, an amino acid with similar properties. This amino acid position is conserved. In addition, the in silico prediction for this alteration is inconclusive. Based on the available evidence, the clinical significance of this variant remains unclear.

NM_006947.4(SRP72):c.526C>G (p.His176Asp)

Gene: SRP72 (signal recognition particle 72; plus strand). Cytogenetic location: 4q12.
Variant type: single nucleotide variant.
Coding change: c.526C>G on transcript NM_006947.4 (MANE Select); coding-DNA position 526, C replaced by G.
Protein change: p.His176Asp; replaces histidine 176 with aspartic acid.
Molecular consequence: missense variant. On other transcripts: non-coding transcript variant (1).
Genome position (GRCh38, 1-based): chr4:56,474,307, C>G. VCF-style: chr4-56474307-C-G. GRCh37 (hg19) VCF-style: chr4-57340473-C-G.
Other names: c.526C>G, p.His176Asp (NM_001267722.2); short protein forms H176D.
Identifiers: ClinVar variation 3449407 (VCV003449407.1).
Genomic context (GRCh38, chr4:56,474,307, plus strand): 5'-TTAGTATTTAACTGGTATTTTGTCCCCTGACAGGAGAACCTGGGCCTCCAAGAAGGCACA[C>G]ATGAGCTGTGCTACAACACTGCATGTGCACTGATAGGCCAAGGCCAGCTGAACCAGGCCA-3'
Protein context (NP_008878.3, residues 166-186): PENLGLQEGT[His176Asp]ELCYNTACAL